The following is an entry in ClinVar:

NM_000093.5(COL5A1):c.2332-291G>A

Gene: COL5A1 (collagen type V alpha 1 chain; plus strand). Cytogenetic location: 9q34.3.
Variant type: single nucleotide variant.
Coding change: c.2332-291G>A on transcript NM_000093.5 (MANE Select); 291 bases into the intron before coding-DNA position 2332, G replaced by A.
Molecular consequence: intron variant.
Genome position (GRCh38, 1-based): chr9:134,774,568, G>A. VCF-style: chr9-134774568-G-A. GRCh37 (hg19) VCF-style: chr9-137666414-G-A.
Other names: c.2332-291G>A (NM_001278074.1).
Identifiers: ClinVar variation 683370 (VCV000683370.1), dbSNP rs4842165, ClinGen allele CA13060282.

ClinVar aggregate classification (germline): Benign (1 of 4 stars; one submission).

Allele frequency attached by ClinVar (database versions not stated): 1000 Genomes Project 30x 0.20472; gnomAD 0.20572 and 0.20719; TOPMed 0.20850; 1000 Genomes Project 0.21106.
gnomAD v4.1: 31,445 of 152,124 alleles (21%); highest among the groups gnomAD compares: East Asian, 34%; 3,440 homozygotes.

Submission:

GeneDx
Classification: Benign. Last evaluated: 2018-06-14. Review status: criteria provided, single submitter. Criteria: GeneDx Variant Classification (06012015). Collection method: clinical testing. Allele origin: germline. Affected: yes.
Comment: This variant is considered likely benign or benign based on one or more of the following criteria: it is a conservative change, it occurs at a poorly conserved position in the protein, it is predicted to be benign by multiple in silico algorithms, and/or has population frequency not consistent with disease.